The following is an entry in ClinVar:

NM_024426.6(WT1):c.661+3A>G

Genes: WT1 (WT1 transcription factor; minus strand), LOC107982234 (WT1/WT1-AS bi-directional promoter region; plus strand). Cytogenetic location: 11p13.
Variant type: single nucleotide variant.
Coding change: c.661+3A>G on transcript NM_024426.6 (MANE Select); 3 bases into the intron after coding-DNA position 661, A replaced by G.
Molecular consequence: intron variant.
Genome position (GRCh38, 1-based): chr11:32,434,697, T>C on the plus strand (A>G on the coding strand, the complement: WT1 is on the minus strand). VCF-style: chr11-32434697-T-C. GRCh37 (hg19) VCF-style: chr11-32456243-T-C.
Other names: c.661+3A>G (NM_000378.6, NM_024424.5).
Identifiers: ClinVar variation 2092472 (VCV002092472.4), dbSNP rs2494474663, ClinGen allele CA2580084074.

ClinVar aggregate classification (germline): Uncertain significance (1 of 4 stars; one submission).

Conditions:
Drash syndrome (DDS). Also called: NEPHROPATHY, WILMS TUMOR, AND GENITAL ANOMALIES; WILMS TUMOR AND PSEUDO- OR TRUE HERMAPHRODITISM. Identifiers: Orphanet 220, MedGen C0950121, MONDO:0008682, OMIM 194080.
Frasier syndrome. Identifiers: Orphanet 347, MedGen C0950122, MeSH D052159, MONDO:0007635, OMIM 136680.
Wilms tumor 1 (WT1). Also called: Wilms tumor, somatic. Identifiers: Orphanet 654, MedGen CN033288, MONDO:0008679, OMIM 194070.
11p partial monosomy syndrome (WAGR). Also called: WAGR Spectrum Disorder; WAGR syndrome; WAGR Complex; CHROMOSOME 11p13 DELETION SYNDROME. Identifiers: Orphanet 893, MedGen C0206115, MONDO:0008681, OMIM 194072.

Submission:

Labcorp Genetics (formerly Invitae), Labcorp
Classification: Uncertain significance for Wilms tumor 1; Drash syndrome; 11p partial monosomy syndrome; Frasier syndrome. Last evaluated: 2022-03-14. Review status: criteria provided, single submitter. Criteria: Invitae Variant Classification Sherloc (09022015). Collection method: clinical testing. Allele origin: germline.
Comment: In summary, the available evidence is currently insufficient to determine the role of this variant in disease. Therefore, it has been classified as a Variant of Uncertain Significance. Variants that disrupt the consensus splice site are a relatively common cause of aberrant splicing (PMID: 17576681, 9536098). Algorithms developed to predict the effect of sequence changes on RNA splicing suggest that this variant is not likely to affect RNA splicing. This variant has not been reported in the literature in individuals affected with WT1-related conditions. This variant is not present in population databases (gnomAD no frequency). This sequence change falls in intron 1 of the WT1 gene. It does not directly change the encoded amino acid sequence of the WT1 protein. It affects a nucleotide within the consensus splice site.

Literature cited by the submitters: PubMed 17576681; PubMed 9536098.